The following is an entry in ClinVar:

NM_006005.3(WFS1):c.*356_*357insTT

Gene: WFS1 (wolframin ER transmembrane glycoprotein; plus strand). Cytogenetic location: 4p16.1.
Variant type: Insertion.
Coding change: c.*356_*357insTT on transcript NM_006005.3 (MANE Select); 356 bases downstream of the stop codon through 357 bases downstream of the stop codon, TT inserted.
Molecular consequence: 3 prime UTR variant.
Genome position: GRCh38 VCF-style: chr4-6302823-C-CTT. GRCh37 (hg19) VCF-style: chr4-6304550-C-CTT.
Other names: c.*356_*357insTT (NM_001145853.1).
Identifiers: ClinVar variation 349345 (VCV000349345.6), dbSNP rs568320906, ClinGen allele CA10621446.

ClinVar aggregate classification (germline): Uncertain significance (1 of 4 stars; one submission).

Conditions:
Wolfram syndrome 1 (WFS1). Identifiers: Orphanet 3463, MedGen C4551693, MONDO:0009101, OMIM 222300.

Submission:

Clinical Genomics, Uppaluri K&H Personalized Medicine Clinic
Classification: Uncertain significance for Wolfram syndrome 1. Review status: criteria provided, single submitter. Criteria: K & H Uppaluri Personalized Medicine Clinic Variant Classification & Assertion Criteria_Updated V.1. Collection method: research. Allele origin: unknown. Inheritance: Autosomal recessive inheritance.
Comment: Potent mutations in WFS1 gene are associated with Wolfram's syndrome, an autosomal recessive condition, which cause diabetes mellitus, diabetes insipidus, deafness and optic atrophy.However no sufficient evidence is found to ascertain the role of this particular variant rs568320906 in Wolfram's syndrome yet.

Literature cited by the submitters: PubMed 20738327; PubMed 33879153; PubMed 12955714; PubMed 18060660; PubMed 20301750; PubMed 17603484.